The following is an entry in ClinVar:

ClinVar aggregate classification (germline): Conflicting classifications of pathogenicity. Review status: criteria provided, conflicting classifications (1 of 4 stars). 2 submissions from 2 submitters: Likely pathogenic (1); Uncertain significance (1). Last evaluated 2023-11-20.

Conditions:
Spastic paraplegia. Identifiers: MedGen C0037772, HP:0001258.
Hereditary spastic paraplegia 56. Also called: Spastic Paraplegia 56; Spastic paraplegia 56, autosomal recessive; SPASTIC PARAPLEGIA 56, AUTOSOMAL RECESSIVE, WITH OR WITHOUT PSEUDOXANTHOMA ELASTICUM. Identifiers: Orphanet 320411, MedGen C3539507, MONDO:0014015, OMIM 615030.

Allele frequency attached by ClinVar (database versions not stated): TOPMed 0.00001.
gnomAD v4.1: 25 of 1,596,634 alleles (0.0016%); highest among the groups gnomAD compares: East Asian, 0.009%; no homozygotes.

Submissions (2):

Labcorp Genetics (formerly Invitae), Labcorp
Classification: Likely pathogenic for Spastic paraplegia. Last evaluated: 2023-11-20. Review status: criteria provided, single submitter. Criteria: Invitae Variant Classification Sherloc (09022015). Collection method: clinical testing. Allele origin: germline.
Comment: This sequence change replaces arginine, which is basic and polar, with glutamine, which is neutral and polar, at codon 488 of the CYP2U1 protein (p.Arg488Gln). This variant is present in population databases (rs762873672, gnomAD 0.004%). This variant has not been reported in the literature in individuals affected with CYP2U1-related conditions. ClinVar contains an entry for this variant (Variation ID: 635070). Advanced modeling of protein sequence and biophysical properties (such as structural, functional, and spatial information, amino acid conservation, physicochemical variation, residue mobility, and thermodynamic stability) performed at Invitae indicates that this missense variant is expected to disrupt CYP2U1 protein function with a positive predictive value of 95%. This variant disrupts the p.Arg488 amino acid residue in CYP2U1. Other variant(s) that disrupt this residue have been determined to be pathogenic (PMID: 23176821, 29034544, 33107650). This suggests that this residue is clinically significant, and that variants that disrupt this residue are likely to be disease-causing. In summary, the currently available evidence indicates that the variant is pathogenic, but additional data are needed to prove that conclusively. Therefore, this variant has been classified as Likely Pathogenic.

Broad Center for Mendelian Genomics, Broad Institute of MIT and Harvard
Classification: Uncertain significance for Hereditary spastic paraplegia 56. Last evaluated: 2018-06-15. Review status: criteria provided, single submitter. Criteria: ACMG Guidelines, 2015. Collection method: research. Allele origin: germline. Inheritance: Autosomal recessive inheritance. Affected: yes.
Comment: This variant has been identified in <0.01% (1/27422) of South Asian chromosomes by the Genome Aggregation Database (gnomAD; dbSNP rs762873672). Although this variant has been seen in the general population, its frequency is low enough to be consistent with a recessive carrier frequency. The Arginine (Arg) at position 488 is highly conserved in mammals and evolutionarily distant species, raising the possibility that a change at this position may not be tolerated. Computational prediction tools suggest that this variant may impact the protein, though this information is not predictive enough to determine pathogenicity. In summary, the clinical significance of this variant is uncertain.

Literature cited by the submitters: PubMed 23176821 (cited by Labcorp Genetics (formerly Invitae), Labcorp); PubMed 29034544 (cited by Labcorp Genetics (formerly Invitae), Labcorp); PubMed 33107650 (cited by Labcorp Genetics (formerly Invitae), Labcorp).

NM_183075.3(CYP2U1):c.1463G>A (p.Arg488Gln)

Gene: CYP2U1 (cytochrome P450 family 2 subfamily U member 1; plus strand). Cytogenetic location: 4q25.
Variant type: single nucleotide variant.
Coding change: c.1463G>A on transcript NM_183075.3 (MANE Select); coding-DNA position 1463, G replaced by A.
Protein change: p.Arg488Gln; replaces arginine 488 with glutamine.
Molecular consequence: missense variant.
Genome position (GRCh38, 1-based): chr4:107,950,251, G>A. VCF-style: chr4-107950251-G-A. GRCh37 (hg19) VCF-style: chr4-108871407-G-A.
Other names: short protein forms R488Q.
Identifiers: ClinVar variation 635070 (VCV000635070.4), dbSNP rs762873672, ClinGen allele CA3037213.